The following is an entry in ClinVar:

ClinVar aggregate classification (germline): Uncertain significance (1 of 4 stars; one submission).

Submission:

Labcorp Genetics (formerly Invitae), Labcorp
Classification: Uncertain significance. Last evaluated: 2022-06-27. Review status: criteria provided, single submitter. Criteria: Invitae Variant Classification Sherloc (09022015). Collection method: clinical testing. Allele origin: germline.
Comment: In summary, the available evidence is currently insufficient to determine the role of this variant in disease. Therefore, it has been classified as a Variant of Uncertain Significance. Algorithms developed to predict the effect of missense changes on protein structure and function are either unavailable or do not agree on the potential impact of this missense change (SIFT: "Deleterious"; PolyPhen-2: "Not Available"; Align-GVGD: "Class C0"). ClinVar contains an entry for this variant (Variation ID: 1026575). This variant has not been reported in the literature in individuals affected with CDH23-related conditions. This variant is not present in population databases (gnomAD no frequency). This sequence change replaces leucine, which is neutral and non-polar, with isoleucine, which is neutral and non-polar, at codon 1158 of the CDH23 protein (p.Leu1158Ile).

NM_022124.6(CDH23):c.3472C>A (p.Leu1158Ile)

Genes: C10orf105 (chromosome 10 open reading frame 105; minus strand), CDH23 (cadherin related 23; plus strand). Cytogenetic location: 10q22.1.
Variant type: single nucleotide variant.
Coding change: c.3472C>A on transcript NM_022124.6 (MANE Select); coding-DNA position 3472, C replaced by A.
Protein change: p.Leu1158Ile; replaces leucine 1158 with isoleucine.
Molecular consequence: missense variant. On other transcripts: intron variant (1).
Genome position (GRCh38, 1-based): chr10:71,725,413, C>A. VCF-style: chr10-71725413-C-A. GRCh37 (hg19) VCF-style: chr10-73485170-C-A.
Other names: c.3472C>A, p.Leu1158Ile (NM_001171930.2); c.-5-9071G>T (NM_001168390.2); short protein forms L1158I.
Identifiers: ClinVar variation 1026575 (VCV001026575.47), dbSNP rs1866763573, ClinGen allele CA377152255.